The following is an entry in ClinVar:

NM_152383.5(DIS3L2):c.134A>G (p.Lys45Arg)

Gene: DIS3L2 (DIS3 like 3'-5' exoribonuclease 2; plus strand). Cytogenetic location: 2q37.1.
Variant type: single nucleotide variant.
Coding change: c.134A>G on transcript NM_152383.5 (MANE Select); coding-DNA position 134, A replaced by G.
Protein change: p.Lys45Arg; replaces lysine 45 with arginine.
Molecular consequence: missense variant. On other transcripts: non-coding transcript variant (2).
Genome position (GRCh38, 1-based): chr2:232,015,595, A>G. VCF-style: chr2-232015595-A-G. GRCh37 (hg19) VCF-style: chr2-232880305-A-G.
Other names: c.134A>G, p.Lys45Arg (NM_001257281.2, NM_001257282.2); short protein forms K45R.
Identifiers: ClinVar variation 663922 (VCV000663922.8), dbSNP rs1574812762, ClinGen allele CA351151969.
Genomic context (GRCh38, chr2:232,015,595, plus strand): 5'-CACATGACATTGGTGCTTCGCCAGGTGACAAAAAGTCAAAGAACAGGTCCACACGAGGGA[A>G]GAAAAAGAGCATATTTGAAACTTACATGTCCAAGGAGGATGTTTCAGAAGGCTTGAAGAG-3'
Protein context (NP_689596.4, residues 35-55): KKSKNRSTRG[Lys45Arg]KKSIFETYMS

ClinVar aggregate classification (germline): Uncertain significance (1 of 4 stars; one submission).

Conditions:
Perlman syndrome (PRLMNS). Identifiers: Orphanet 2849, MedGen C0796113, MONDO:0009965, OMIM 267000.

Allele frequency attached by ClinVar (database versions not stated): gnomAD exomes below 0.00001.
gnomAD v4.1: 1 of 1,614,100 alleles (0.000062%); no homozygotes.

Submission:

Labcorp Genetics (formerly Invitae), Labcorp
Classification: Uncertain significance for Perlman syndrome. Last evaluated: 2021-04-19. Review status: criteria provided, single submitter. Criteria: Invitae Variant Classification Sherloc (09022015). Collection method: clinical testing. Allele origin: germline.
Comment: This sequence change replaces lysine with arginine at codon 45 of the DIS3L2 protein (p.Lys45Arg). The lysine residue is moderately conserved and there is a small physicochemical difference between lysine and arginine. This variant is not present in population databases (ExAC no frequency). This variant has not been reported in the literature in individuals with DIS3L2-related conditions. Algorithms developed to predict the effect of missense changes on protein structure and function (SIFT, PolyPhen-2, Align-GVGD) all suggest that this variant is likely to be tolerated, but these predictions have not been confirmed by published functional studies and their clinical significance is uncertain. In summary, the available evidence is currently insufficient to determine the role of this variant in disease. Therefore, it has been classified as a Variant of Uncertain Significance.